The following is an entry in ClinVar:

ClinVar aggregate classification (germline): Pathogenic (1 of 4 stars; one submission).

Conditions:
Hereditary cancer-predisposing syndrome. Also called: Neoplastic Syndromes, Hereditary; Tumor predisposition; Hereditary Cancer Syndrome; Hereditary neoplastic syndrome. Identifiers: Orphanet 140162, MedGen C0027672, MeSH D009386, MONDO:0015356.

Submission:

Ambry Genetics
Classification: Pathogenic for Hereditary cancer-predisposing syndrome. Last evaluated: 2019-02-28. Review status: criteria provided, single submitter. Criteria: Ambry Variant Classification Scheme 2023. Collection method: clinical testing. Allele origin: germline.
Comment: The c.1767_1770delGTTT pathogenic mutation, located in coding exon 9 of the BRCA2 gene, results from a deletion of 4 nucleotides at nucleotide positions 1767 to 1770, causing a translational frameshift with a predicted alternate stop codon (p.I591Mfs*22). This alteration is expected to result in loss of function by premature protein truncation or nonsense-mediated mRNA decay. As such, this alteration is interpreted as a disease-causing mutation.

NM_000059.4(BRCA2):c.1767_1770del (p.Ile591fs)

Gene: BRCA2 (BRCA2 DNA repair associated; plus strand). Cytogenetic location: 13q13.1.
Variant type: Deletion.
Coding change: c.1767_1770del on transcript NM_000059.4 (MANE Select); coding-DNA positions 1767 to 1770, 4 bases deleted (GTTT; older notation c.1767_1770delGTTT).
Protein change: p.Ile591fs; shifts the reading frame from isoleucine 591.
Molecular consequence: frameshift variant.
Genome position (GRCh38, 1-based): chr13:32,333,245-32,333,248, GTTT deleted. VCF-style (leftmost placement, unchanged base first): chr13-32333244-AGTTT-A. GRCh37 (hg19) VCF-style: chr13-32907381-AGTTT-A.
Other names: short protein forms I591fs.
Identifiers: ClinVar variation 820020 (VCV000820020.4), dbSNP rs1593893796, ClinGen allele CA915946967.